The following is an entry in ClinVar:

NM_021625.5(TRPV4):c.2211G>C (p.Trp737Cys)

Gene: TRPV4 (transient receptor potential cation channel subfamily V member 4; minus strand). Cytogenetic location: 12q24.11.
Variant type: single nucleotide variant.
Coding change: c.2211G>C on transcript NM_021625.5 (MANE Select); coding-DNA position 2211, G replaced by C.
Protein change: p.Trp737Cys; replaces tryptophan 737 with cysteine.
Molecular consequence: missense variant.
Genome position (GRCh38, 1-based): chr12:109,786,835, C>G on the plus strand (G>C on the coding strand, the complement: TRPV4 is on the minus strand). VCF-style: chr12-109786835-C-G. GRCh37 (hg19) VCF-style: chr12-110224640-C-G.
Other names: c.2109G>C, p.Trp703Cys (NM_001177431.2); c.1890G>C, p.Trp630Cys (NM_001177433.2); c.2031G>C, p.Trp677Cys (NM_147204.3); c.2070G>C, p.Trp690Cys (NM_001177428.2); short protein forms W703C, W630C, W690C, W677C, W737C.
Identifiers: ClinVar variation 649819 (VCV000649819.8), dbSNP rs1035249096, ClinGen allele CA386649668.
Genomic context (GRCh38, chr12:109,786,835, plus strand): 5'-GCGGAAGGCCTTCCTCAGGAATACGGGGAAGGAGCGCTCAATGTCCAGGATGGTGGTGGC[C>G]CACTGCGGGGAGGGAGGGTCAGGAGGGACATCGGTGAGCCTCACAGCCTGCGCCTGCCGC-3'
Protein context (NP_067638.3, residues 727-747): KESKHIWKLQ[Trp737Cys]ATTILDIERS

ClinVar aggregate classification (germline): Uncertain significance (1 of 4 stars; one submission).

Conditions:
Charcot-Marie-Tooth disease axonal type 2C (HMSN2C). Also called: CHARCOT-MARIE-TOOTH DISEASE, AXONAL, AUTOSOMAL DOMINANT, TYPE 2C; Charcot-Marie-Tooth Neuropathy Type 2C; Charcot-Marie-Tooth Disease Type 2, TRPV4-Related (CMT2C). Identifiers: Orphanet 99937, MedGen C1853710, MONDO:0011633, OMIM 606071.

Submission:

Labcorp Genetics (formerly Invitae), Labcorp
Classification: Uncertain significance for Charcot-Marie-Tooth disease axonal type 2C. Last evaluated: 2018-12-22. Review status: criteria provided, single submitter. Criteria: Invitae Variant Classification Sherloc (09022015). Collection method: clinical testing. Allele origin: germline.
Comment: In summary, the available evidence is currently insufficient to determine the role of this variant in disease. Therefore, it has been classified as a Variant of Uncertain Significance. Algorithms developed to predict the effect of missense changes on protein structure and function are either unavailable or do not agree on the potential impact of this missense change (SIFT: "Deleterious"; PolyPhen-2: "Probably Damaging"; Align-GVGD: "Class C0"). This variant has not been reported in the literature in individuals with TRPV4-related conditions. This variant is not present in population databases (ExAC no frequency). This sequence change replaces tryptophan with cysteine at codon 737 of the TRPV4 protein (p.Trp737Cys). The tryptophan residue is highly conserved and there is a large physicochemical difference between tryptophan and cysteine.